The following is an entry in ClinVar:

NM_003718.5(CDK13):c.209C>T (p.Ala70Val)

Genes: CDK13 (cyclin dependent kinase 13; plus strand), LOC129998292 (ATAC-STARR-seq lymphoblastoid silent region 18115; plus strand). Cytogenetic location: 7p14.1.
Variant type: single nucleotide variant.
Coding change: c.209C>T on transcript NM_003718.5 (MANE Select); coding-DNA position 209, C replaced by T.
Protein change: p.Ala70Val; replaces alanine 70 with valine.
Molecular consequence: missense variant.
Genome position (GRCh38, 1-based): chr7:39,950,850, C>T. VCF-style: chr7-39950850-C-T. GRCh37 (hg19) VCF-style: chr7-39990449-C-T.
Other names: c.209C>T, p.Ala70Val (NM_031267.4); short protein forms A70V.
Identifiers: ClinVar variation 2817762 (VCV002817762.3), dbSNP rs2483668003, ClinGen allele CA367308945.

ClinVar aggregate classification (germline): Uncertain significance (1 of 4 stars; one submission).

Submission:

Labcorp Genetics (formerly Invitae), Labcorp
Classification: Uncertain significance. Last evaluated: 2022-12-01. Review status: criteria provided, single submitter. Criteria: Invitae Variant Classification Sherloc (09022015). Collection method: clinical testing. Allele origin: germline.
Comment: This sequence change replaces alanine, which is neutral and non-polar, with valine, which is neutral and non-polar, at codon 70 of the CDK13 protein (p.Ala70Val). This variant has not been reported in the literature in individuals affected with CDK13-related conditions. In summary, the available evidence is currently insufficient to determine the role of this variant in disease. Therefore, it has been classified as a Variant of Uncertain Significance. Advanced modeling of protein sequence and biophysical properties (such as structural, functional, and spatial information, amino acid conservation, physicochemical variation, residue mobility, and thermodynamic stability) performed at Invitae indicates that this missense variant is not expected to disrupt CDK13 protein function. This variant is not present in population databases (gnomAD no frequency).